The following is an entry in ClinVar:

NM_001278512.2(AP3B2):c.1667C>T (p.Thr556Ile)

Genes: AP3B2 (adaptor related protein complex 3 subunit beta 2; minus strand), CPEB1-AS1 (CPEB1 antisense RNA 1; plus strand). Cytogenetic location: 15q25.2.
Variant type: single nucleotide variant.
Coding change: c.1667C>T on transcript NM_001278512.2 (MANE Select); coding-DNA position 1667, C replaced by T.
Protein change: p.Thr556Ile; replaces threonine 556 with isoleucine.
Molecular consequence: missense variant.
Genome position (GRCh38, 1-based): chr15:82,666,932, G>A on the plus strand (C>T on the coding strand, the complement: AP3B2 is on the minus strand). VCF-style: chr15-82666932-G-A. GRCh37 (hg19) VCF-style: chr15-83335684-G-A.
Other names: c.1571C>T, p.Thr524Ile (NM_001278511.2); c.1667C>T, p.Thr556Ile (NM_004644.5); short protein forms T556I, T524I.
Identifiers: ClinVar variation 1939352 (VCV001939352.3), dbSNP rs2548700993, ClinGen allele CA393314232.
Genomic context (GRCh38, chr15:82,666,932, plus strand): 5'-CGAATATCATAGTTCTGGTCATATTTGGCCAGACTCAGCACATACTGGGTCAGCAGCTTG[G>A]TCTGGAGGAACAGGAAGAGGTGGGTCAGCTGACGGGGGGATGGGGACACAGGAGGCTCAG-3'
Protein context (NP_001265441.1, residues 546-566): AKLYLTNSKQ[Thr556Ile]KLLTQYVLSL

ClinVar aggregate classification (germline): Uncertain significance (1 of 4 stars; one submission).

Submission:

Labcorp Genetics (formerly Invitae), Labcorp
Classification: Uncertain significance. Last evaluated: 2023-08-04. Review status: criteria provided, single submitter. Criteria: Invitae Variant Classification Sherloc (09022015). Collection method: clinical testing. Allele origin: germline.
Comment: In summary, the available evidence is currently insufficient to determine the role of this variant in disease. Therefore, it has been classified as a Variant of Uncertain Significance. Algorithms developed to predict the effect of sequence changes on RNA splicing suggest that this variant may disrupt the consensus splice site. An algorithm developed to predict the effect of missense changes on protein structure and function (PolyPhen-2) suggests that this variant¬†is likely to be tolerated. ClinVar contains an entry for this variant (Variation ID: 1939352). This variant has not been reported in the literature in individuals affected with AP3B2-related conditions. This variant is not present in population databases (gnomAD no frequency). This sequence change replaces threonine, which is neutral and polar, with isoleucine, which is neutral and non-polar, at codon 556 of the AP3B2 protein (p.Thr556Ile).